The following is an entry in ClinVar:

ClinVar aggregate classification (germline): Pathogenic (1 of 4 stars; one submission).

Conditions:
Duchenne muscular dystrophy (DMD). Also called: Duchenne Muscular Dystrophy (DMD); MUSCULAR DYSTROPHY, PSEUDOHYPERTROPHIC PROGRESSIVE, DUCHENNE TYPE. Identifiers: Orphanet 98896, MedGen C0013264, MONDO:0010679, OMIM 310200.

Submission:

Labcorp Genetics (formerly Invitae), Labcorp
Classification: Pathogenic for Duchenne muscular dystrophy. Last evaluated: 2023-07-17. Review status: criteria provided, single submitter. Criteria: Invitae Variant Classification Sherloc (09022015). Collection method: clinical testing. Allele origin: germline.
Comment: This variant is a gross deletion of the genomic region encompassing exon(s) 51-60 of the DMD gene. This deletion is out-of-frame, and is expected to create a premature termination codon and result in an absent or disrupted protein product. Loss-of-function variants in DMD are known to be pathogenic (PMID: 16770791, 25007885). A similar copy number variant has been observed in individual(s) with Duchenne muscular dystrophy (PMID: 16834926, 19602481). For these reasons, this variant has been classified as Pathogenic.

Literature cited by the submitters: PubMed 16770791; PubMed 25007885; PubMed 16834926; PubMed 19602481.

NC_000023.10:g.(?_31462578)_(31792329_?)del

Gene: DMD (dystrophin; minus strand). Cytogenetic location: Xp21.2-21.1.
Variant type: Deletion.
Identifiers: ClinVar variation 1455842 (VCV001455842.6).